The following is an entry in ClinVar:

NM_000277.3(PAH):c.983C>T (p.Thr328Ile)

Gene: PAH (phenylalanine hydroxylase; minus strand). Cytogenetic location: 12q23.2.
Variant type: single nucleotide variant.
Coding change: c.983C>T on transcript NM_000277.3 (MANE Select); coding-DNA position 983, C replaced by T.
Protein change: p.Thr328Ile; replaces threonine 328 with isoleucine.
Molecular consequence: missense variant.
Genome position (GRCh38, 1-based): chr12:102,844,418, G>A on the plus strand (C>T on the coding strand, the complement: PAH is on the minus strand). VCF-style: chr12-102844418-G-A. GRCh37 (hg19) VCF-style: chr12-103238196-G-A.
Other names: NM_000277.1(PAH):c.983C>T; c.983C>T, p.Thr328Ile (NM_001354304.2); short protein forms T328I.
Identifiers: ClinVar variation 281073 (VCV000281073.10), dbSNP rs886042096, ClinGen allele CA10603804.

ClinVar aggregate classification (germline): Uncertain significance. Review status: reviewed by expert panel (3 of 4 stars). 4 submissions from 4 submitters: Uncertain significance (1). 3 of the submissions do not count toward it. Last evaluated 2018-08-10.

Conditions:
Phenylketonuria (PKU). Also called: FOLLING DISEASE; OLIGOPHRENIA PHENYLPYRUVICA; Phenylketonuria (PKU); Phenylketonurias. Identifiers: Orphanet 716, MedGen C0031485, MONDO:0009861, OMIM 261600. Disease mechanism: loss of function.

Submissions (4):

ClinGen PAH Variant Curation Expert Panel
Classification: Uncertain significance for Phenylketonuria. Last evaluated: 2018-08-10. Review status: reviewed by expert panel. Criteria: ClinGen PAH ACMG Specifications v1. Collection method: curation. Allele origin: germline. Inheritance: Autosomal recessive inheritance.
Comment: PAH-specific ACMG/AMP criteria applied: PM2: Absent from ExAC, gnomAD, 1000G, ESP; PP3: Predicted deleterious in SIFT, PolyPhen2, Mutation Taster. REVEL=0.952. In summary this variant meets criteria to be classified as uncertain significance for phenylketonuria in an autosomal recessive manner based on the ACMG/AMP criteria applied as specified by the PAH Expert Panel: (PM2, PP3).

Women's Health and Genetics/Laboratory Corporation of America, LabCorp
Classification: Uncertain significance. Last evaluated: 2024-10-30. Review status: criteria provided, single submitter. Criteria: LabCorp Variant Classification Summary - May 2015. Collection method: clinical testing. Allele origin: germline. Not counted in ClinVar's aggregate classification.
Comment: Variant summary: PAH c.983C>T (p.Thr328Ile) results in a non-conservative amino acid change located in the catalytic domain (IPR041912) of the encoded protein sequence. Five of five in-silico tools predict a damaging effect of the variant on protein function. The variant was absent in 250852 control chromosomes (gnomAD). The available data on variant occurrences in the general population are insufficient to allow any conclusion about variant significance. c.983C>T has been reported in the literature in individuals affected with Phenylalanine Hydroxylase Deficiency (Phenylketonuria) (ClinVar, Accession: SCV002247386.3). These data do not allow any conclusion about variant significance. To our knowledge, no experimental evidence demonstrating an impact on protein function has been reported. However, a different missense change affecting the same amino acid (p.Thr328Ala) is classified as likely pathogenic by our lab, suggesting a critical role for this residue. The following publications have been ascertained in the context of this evaluation (PMID: 27308838). ClinVar contains an entry for this variant (Variation ID: 281073). Based on the evidence outlined above, the variant was classified as uncertain significance.

Labcorp Genetics (formerly Invitae), Labcorp
Classification: Uncertain significance for Phenylketonuria. Last evaluated: 2023-08-10. Review status: criteria provided, single submitter. Criteria: Invitae Variant Classification Sherloc (09022015). Collection method: clinical testing. Allele origin: germline. Not counted in ClinVar's aggregate classification.
Comment: This sequence change replaces threonine, which is neutral and polar, with isoleucine, which is neutral and non-polar, at codon 328 of the PAH protein (p.Thr328Ile). This variant is not present in population databases (gnomAD no frequency). This missense change has been observed in individual(s) with clinical features of hyperphenylalaninemia (Invitae). ClinVar contains an entry for this variant (Variation ID: 281073). Advanced modeling of protein sequence and biophysical properties (such as structural, functional, and spatial information, amino acid conservation, physicochemical variation, residue mobility, and thermodynamic stability) performed at Invitae indicates that this missense variant is not expected to disrupt PAH protein function. This variant disrupts the p.Thr328 amino acid residue in PAH. Other variant(s) that disrupt this residue have been determined to be pathogenic (Invitae). This suggests that this residue is clinically significant, and that variants that disrupt this residue are likely to be disease-causing. In summary, the available evidence is currently insufficient to determine the role of this variant in disease. Therefore, it has been classified as a Variant of Uncertain Significance.

Eurofins Ntd Llc (ga)
Classification: Uncertain significance. Last evaluated: 2015-09-29. Review status: criteria provided, single submitter. Criteria: EGL Classification Definitions 2015. Collection method: clinical testing. Allele origin: germline. Observed: 1 variant allele, 1 heterozygote. Not counted in ClinVar's aggregate classification.

Literature cited by the submitters: PubMed 27308838 (cited by Women's Health and Genetics/Laboratory Corporation of America, LabCorp).